The following is an entry in ClinVar:

ClinVar aggregate classification (germline): Uncertain significance (1 of 4 stars; one submission).

gnomAD v4.1: 1 of 1,538,804 alleles (0.000065%); highest among the groups gnomAD compares: Non-Finnish European, 0.000087%; no homozygotes.

Submission:

Labcorp Genetics (formerly Invitae), Labcorp
Classification: Uncertain significance. Last evaluated: 2022-07-19. Review status: criteria provided, single submitter. Criteria: Invitae Variant Classification Sherloc (09022015). Collection method: clinical testing. Allele origin: germline.
Comment: In summary, the available evidence is currently insufficient to determine the role of this variant in disease. Therefore, it has been classified as a Variant of Uncertain Significance. Algorithms developed to predict the effect of missense changes on protein structure and function (SIFT, PolyPhen-2, Align-GVGD) all suggest that this variant is likely to be tolerated. This variant has not been reported in the literature in individuals affected with FCHO1-related conditions. This variant is not present in population databases (gnomAD no frequency). This sequence change replaces cysteine, which is neutral and slightly polar, with serine, which is neutral and polar, at codon 505 of the FCHO1 protein (p.Cys505Ser).

NM_015122.3(FCHO1):c.1513T>A (p.Cys505Ser)

Gene: FCHO1 (FCH and mu domain containing endocytic adaptor 1; plus strand). Cytogenetic location: 19p13.11.
Variant type: single nucleotide variant.
Coding change: c.1513T>A on transcript NM_015122.3 (MANE Select); coding-DNA position 1513, T replaced by A.
Protein change: p.Cys505Ser; replaces cysteine 505 with serine.
Molecular consequence: missense variant. On other transcripts: non-coding transcript variant (14), intron variant (11).
Genome position (GRCh38, 1-based): chr19:17,778,770, T>A. VCF-style: chr19-17778770-T-A. GRCh37 (hg19) VCF-style: chr19-17889579-T-A.
Other names: c.1513T>A, p.Cys505Ser (NM_001161357.2, NM_001161358.2, NM_001384370.1 and 13 more transcripts); c.1363T>A, p.Cys455Ser (NM_001161359.2, NM_001384384.1, NM_001384385.1 and 1 more transcripts); c.1474T>A, p.Cys492Ser (NM_001384388.1, NM_001384389.1, NM_001384405.1); c.1438T>A, p.Cys480Ser (NM_001384390.1); c.1396T>A, p.Cys466Ser (NM_001384392.1, NM_001384393.1, NM_001384394.1 and 1 more transcripts); c.1351+542T>A (NM_001384396.1, NM_001384404.1, NM_001384398.1 and 5 more transcripts); c.1201+542T>A (NM_001384406.1); c.1058-2461T>A (NM_001384407.1); and 1 more; short protein forms C455S, C466S, C492S, C505S, C480S.
Identifiers: ClinVar variation 1935507 (VCV001935507.3), dbSNP rs2513931970, ClinGen allele CA404753737.